The following is an entry in ClinVar:

ClinVar aggregate classification (germline): Uncertain significance (1 of 4 stars; one submission).

Submission:

CeGaT Center for Human Genetics Tuebingen
Classification: Uncertain significance. Last evaluated: 2026-08-01. Review status: criteria provided, single submitter. Criteria: CeGaT Center For Human Genetics Tuebingen Variant Classification Criteria Version 2. Collection method: clinical testing. Allele origin: germline. Affected: yes. Observed: 1 variant allele.
Comment: CNOT2: PM2:Supporting, BP4

NM_014515.7(CNOT2):c.1308T>C (p.Leu436=)

Gene: CNOT2 (CCR4-NOT transcription complex subunit 2; plus strand). Cytogenetic location: 12q15.
Variant type: single nucleotide variant.
Coding change: c.1308T>C on transcript NM_014515.7 (MANE Select); coding-DNA position 1308, T replaced by C.
Protein change: p.Leu436=; no amino-acid change (leucine 436 retained).
Molecular consequence: synonymous variant. On other transcripts: non-coding transcript variant (1).
Genome position (GRCh38, 1-based): chr12:70,344,145, T>C. VCF-style: chr12-70344145-T-C. GRCh37 (hg19) VCF-style: chr12-70737925-T-C.
Other names: c.1308T>C, p.Leu436= (NM_001199302.2, NM_001199303.2, NM_001414651.1 and 1 more transcripts); c.1281T>C, p.Leu427= (NM_001414653.1, NM_001414654.1, NM_001414655.1); c.1266T>C, p.Leu422= (NM_001414656.1); c.1248T>C, p.Leu416= (NM_001414657.1, NM_001414658.1, NM_001414659.1 and 1 more transcripts); c.1185T>C, p.Leu395= (NM_001414661.1); c.1125T>C, p.Leu375= (NM_001414662.1).
Identifiers: ClinVar variation 5039793 (VCV005039793.1).